The following is an entry in ClinVar:

NM_007294.4(BRCA1):c.4117G>T (p.Glu1373Ter)

Gene: BRCA1 (BRCA1 DNA repair associated; minus strand). Cytogenetic location: 17q21.31.
Variant type: single nucleotide variant.
Coding change: c.4117G>T on transcript NM_007294.4 (MANE Select); coding-DNA position 4117, G replaced by T.
Protein change: p.Glu1373Ter; replaces glutamic acid 1373 with a stop codon.
Molecular consequence: nonsense. On other transcripts: non-coding transcript variant (1).
Genome position (GRCh38, 1-based): chr17:43,091,012, C>A on the plus strand (G>T on the coding strand, the complement: BRCA1 is on the minus strand). VCF-style: chr17-43091012-C-A. GRCh37 (hg19) VCF-style: chr17-41243029-C-A.
Other names: p.E1373*:GAG>TAG; 4236G>T; c.3904G>T, p.Glu1302Ter (NM_001407571.1, NM_001407853.1, NM_001407894.1 and 9 more transcripts); c.4117G>T, p.Glu1373Ter (NM_001407581.1, NM_001407582.1, NM_001407583.1 and 30 more transcripts); c.4114G>T, p.Glu1372Ter (NM_001407587.1, NM_001407590.1, NM_001407591.1 and 22 more transcripts); c.4108G>T, p.Glu1370Ter (NM_001407646.1, NM_001407647.1); c.3994G>T, p.Glu1332Ter (NM_001407648.1, NM_001407664.1, NM_001407665.1 and 19 more transcripts); c.3991G>T, p.Glu1331Ter (NM_001407649.1, NM_001407670.1, NM_001407671.1 and 11 more transcripts); and 44 more; short protein forms E1373*, E270*, E1326*, E102*, E1077*, E1261*, E1303*, E1332*.
Identifiers: ClinVar variation 37569 (VCV000037569.38), dbSNP rs80357259, ClinGen allele CA002641.

ClinVar aggregate classification (germline): Pathogenic. Review status: reviewed by expert panel (3 of 4 stars). 18 submissions from 18 submitters: Pathogenic (1). 17 of the submissions do not count toward it. Last evaluated 2016-09-08.

Conditions:
BRCA1-related disorder. Also called: BRCA1-related condition.
Breast and/or ovarian cancer. Identifiers: MedGen CN221562.
Hereditary cancer-predisposing syndrome. Also called: Tumor predisposition; Neoplastic Syndromes, Hereditary; Hereditary Cancer Syndrome; Hereditary neoplastic syndrome. Identifiers: Orphanet 140162, MedGen C0027672, MeSH D009386, MONDO:0015356.
Hereditary breast ovarian cancer syndrome. Also called: Hereditary breast and ovarian cancer syndrome (HBOC); Hereditary breast and ovarian cancer syndrome; Hereditary breast and ovarian cancer; Hereditary breast and/or ovarian cancer syndrome; Breast and ovarian cancer; BRCA1- and BRCA2-Associated Hereditary Breast and Ovarian Cancer. Identifiers: Orphanet 145, MedGen C0677776, MeSH D061325, MONDO:0003582. Disease mechanism: loss of function.
Breast-ovarian cancer, familial, susceptibility to, 1 (BROVCA1). Also called: OVARIAN CANCER, SUSCEPTIBILITY TO; BRCA1 Hereditary Breast and Ovarian Cancer. Identifiers: Orphanet 145, MedGen C2676676, MONDO:0011450, OMIM 604370. Disease mechanism: loss of function.
Malignant tumor of breast. Also called: Malignant breast neoplasm; Cancer breast. Identifiers: MedGen C0006142, MONDO:0007254. Disease mechanism: loss of function.

gnomAD v4.1: 1 of 1,612,838 alleles (0.000062%); no homozygotes.

Submissions 1 to 8 of 18:

Evidence-based Network for the Interpretation of Germline Mutant Alleles (ENIGMA)
Classification: Pathogenic for Breast-ovarian cancer, familial, susceptibility to, 1. Last evaluated: 2016-09-08. Review status: reviewed by expert panel. Criteria: ENIGMA BRCA1/2 Classification Criteria (2015). Collection method: curation. Allele origin: germline.
Comment: Variant allele predicted to encode a truncated non-functional protein.

Labcorp Genetics (formerly Invitae), Labcorp
Classification: Pathogenic for Hereditary breast ovarian cancer syndrome. Last evaluated: 2025-12-02. Review status: criteria provided, single submitter. Criteria: Invitae Variant Classification Sherloc (09022015). Collection method: clinical testing. Allele origin: germline. Not counted in ClinVar's aggregate classification.
Comment: This sequence change creates a premature translational stop signal (p.Glu1373*) in the BRCA1 gene. It is expected to result in an absent or disrupted protein product. Loss-of-function variants in BRCA1 are known to be pathogenic (PMID: 20104584). This variant is not present in population databases (gnomAD no frequency). This premature translational stop signal has been observed in individual(s) with breast and ovarian cancer (PMID: 11179017, 17591842, 26219728). This variant is also known as 4236G>T. ClinVar contains an entry for this variant (Variation ID: 37569). For these reasons, this variant has been classified as Pathogenic.

Ambry Genetics
Classification: Pathogenic for Hereditary cancer-predisposing syndrome. Last evaluated: 2025-10-28. Review status: criteria provided, single submitter. Criteria: Ambry Variant Classification Scheme 2023. Collection method: clinical testing. Allele origin: germline. Not counted in ClinVar's aggregate classification.
Comment: The p.E1373* pathogenic mutation (also known as c.4117G>T) located in coding exon 10 of the BRCA1 gene, results from a G to T substitution at nucleotide position 4117. This changes the amino acid from a glutamic acid to a stop codon within coding exon 10. This alteration has been identified in several individuals with hereditary breast and/or ovarian cancer (HBOC) syndrome (Risch HA et al. Am. J. Hum. Genet. 2001 Mar; 68(3):700-10. Kadouri L et al. BMC Cancer 2007; 7:14. Geisler JP et al. J. Natl. Cancer Inst. 2002 Jan; 94(1):61-7; Lolas Hamameh S et al. Int. J. Cancer. 2017 Aug;141(4):750-756; Palmero E et al. Sci Rep 2018 Jun;8(1):9188). This variant is considered to be rare based on population cohorts in the Genome Aggregation Database (gnomAD). In addition to the clinical data presented in the literature, this alteration is expected to result in loss of function by premature protein truncation or nonsense-mediated mRNA decay. As such, this alteration is interpreted as a disease-causing mutation.

Quest Diagnostics Nichols Institute San Juan Capistrano
Classification: Pathogenic. Last evaluated: 2025-02-01. Review status: criteria provided, single submitter. Criteria: Quest Diagnostics criteria. Collection method: clinical testing. Allele origin: unknown. Not counted in ClinVar's aggregate classification.
Comment: The BRCA1 c.4117G>T (p.Glu1373*) variant causes the premature termination of BRCA1 protein synthesis. This variant has been reported in the published literature in individuals with breast cancer (PMID: 34290354 (2021), 33471991 (2021), 32438681 (2020), 31336956 (2019), 29484706 (2018), 28486781 (2017), 26187060 (2015), see also LOVD) and ovarian cancer (PMID: 30606148 (2019)). This variant has not been reported in large, multi-ethnic general populations (Genome Aggregation Database). Based on the available information, this variant is classified as pathogenic.

KCCC/NGS Laboratory, Kuwait Cancer Control Center
Classification: Pathogenic for Breast-ovarian cancer, familial, susceptibility to, 1. Last evaluated: 2023-05-31. Review status: criteria provided, single submitter. Criteria: ACMG Guidelines, 2015. Collection method: clinical testing. Allele origin: germline. Inheritance: Autosomal dominant inheritance. Affected: yes. Observed: 1 heterozygote. Not counted in ClinVar's aggregate classification.
Comment: A known pathogenic variant was detected in BRCA1 gene (c.4117G>T). This sequence change creates a premature translational stop signal (p.Glul373*) in the BRCA1 gene. It is expected to result in an absent or disrupted protein product. Loss-of-function variants in BRCA1 are known to be pathogenic (PMID: 20104584). This variant is not present in population databases (gnomAD no frequency). This premature translational stop signal has been observed in individual(s) with breast and ovarian cancer (PMID: 11179017, 17591842, 26219728). This variant is also known as 4236G>T. ClinVar contains an entry for this variant (Variation ID: 37569). For these reasons, this variant has been classified as Pathogenic.

Color Diagnostics, LLC DBA Color Health
Classification: Pathogenic for Hereditary cancer-predisposing syndrome. Last evaluated: 2023-05-23. Review status: criteria provided, single submitter. Criteria: ACMG Guidelines, 2015. Collection method: clinical testing. Allele origin: germline. Not counted in ClinVar's aggregate classification.
Comment: This variant changes 1 nucleotide in exon 11 of the BRCA1 gene, creating a premature translation stop signal. This variant is expected to result in an absent or non-functional protein product. This variant has been reported in over two dozen individuals affected with breast and/or ovarian cancer (PMID: 11179017, 11773283, 17233897, 17591842, 30128899, 32438681), and this variant was also found to segregate with breast, ovarian or pancreatic cancer in one family (PMID: 17233897). This variant has not been identified in the general population by the Genome Aggregation Database (gnomAD). Loss of BRCA1 function is a known mechanism of disease. Based on the available evidence, this variant is classified as Pathogenic.

All of Us Research Program, National Institutes of Health
Classification: Pathogenic for Breast-ovarian cancer, familial, susceptibility to, 1. Last evaluated: 2023-03-28. Review status: criteria provided, single submitter. Criteria: ACMG Guidelines, 2015. Collection method: clinical testing. Allele origin: germline. Inheritance: Autosomal dominant inheritance. Observed: 1 variant allele, 1 heterozygote. Not counted in ClinVar's aggregate classification.
Comment: The c.4117G>T (p.Glu1373*) variant of the BRCA1 gene creates an early stop codon. It is expected to result in an absent or disrupted protein product. This variant has been reported in multiple individuals with breast and ovarian cancer (PMID: 11179017, 11773283, 11938448, 16760289, 17233897, 17591842, 26219728, 28486781, 29907814, 30128899). This variant has not been identified in the general population by the Genome Aggregation Database (gnomAD). Loss-of-function variants in BRCA1 are known to be pathogenic (PMID: 21989022, 17661172, 22762150). Therefore, the c.4117G>T (p.Glu1373*) variant of the BRCA1 gene is classified as pathogenic.

This study involves interpretation of variants in research participants for the purpose of population health screening. Participant phenotype was not available at the time of variant classification. Additional details can be found in publication PMID: 35346344, PMCID: PMC8962531

GeneDx
Classification: Pathogenic. Last evaluated: 2023-03-06. Review status: criteria provided, single submitter. Criteria: GeneDx Variant Classification Process June 2021. Collection method: clinical testing. Allele origin: germline. Affected: yes. Not counted in ClinVar's aggregate classification.
Comment: Nonsense variant predicted to result in protein truncation or nonsense mediated decay in a gene for which loss of function is a known mechanism of disease; Not observed at significant frequency in large population cohorts (gnomAD); Observed in individuals with a personal or family history consistent with pathogenic variants in this gene (Nedelcu et al., 2002; Kadouri et al., 2007; Veschi et al., 2007; Grant et al., 2015; Lolas Hamameh et al., 2017); Truncating variants in this gene are considered pathogenic by a well-established clinical consortium and/or database; Also known as 4236G>T; This variant is associated with the following publications: (PMID: 11179017, 23958087, 26219728, 34290354, 31336956, 32438681, 28888541, 25479140, 25722380, 17591842, 26306726, 17233897, 11938448, 25525159, 26187060, 28152038, 27928164, 29907814, 28486781, 11773283, 23996866, 12655515, 11870168, 30606148, 29484706, 29446198, 32733560, 31589614)